The following is an entry in ClinVar:

NM_001205293.3(CACNA1E):c.1598G>A (p.Arg533His)

Gene: CACNA1E (calcium voltage-gated channel subunit alpha1 E; plus strand). Cytogenetic location: 1q25.3.
Variant type: single nucleotide variant.
Coding change: c.1598G>A on transcript NM_001205293.3 (MANE Select); coding-DNA position 1598, G replaced by A.
Protein change: p.Arg533His; replaces arginine 533 with histidine.
Molecular consequence: missense variant.
Genome position (GRCh38, 1-based): chr1:181,718,127, G>A. VCF-style: chr1-181718127-G-A. GRCh37 (hg19) VCF-style: chr1-181687263-G-A.
Other names: c.1598G>A, p.Arg533His (NM_000721.4, NM_001205294.2); short protein forms R533H.
Identifiers: ClinVar variation 928919 (VCV000928919.1), dbSNP rs999139568, ClinGen allele CA33819664.

ClinVar aggregate classification (germline): Uncertain significance (1 of 4 stars; one submission).

Allele frequency attached by ClinVar (database versions not stated): gnomAD exomes 0.00001; TOPMed 0.00001.
gnomAD v4.1: 8 of 1,610,596 alleles (0.0005%); highest among the groups gnomAD compares: Non-Finnish European, 0.00068%; no homozygotes.

Submission:

Women's Health and Genetics/Laboratory Corporation of America, LabCorp
Classification: Uncertain significance. Last evaluated: 2019-12-10. Review status: criteria provided, single submitter. Criteria: LabCorp Variant Classification Summary - May 2015. Collection method: clinical testing. Allele origin: germline.
Comment: Variant summary: CACNA1E c.1598G>A (p.Arg533His) results in a non-conservative amino acid change located in the Ion transport protein domain (PF00520) of the encoded protein sequence. Five of five in-silico tools predict a damaging effect of the variant on protein function. The variant was absent in 248688 control chromosomes (gnomAD). The available data on variant occurrences in the general population are insufficient to allow any conclusion about variant significance. To our knowledge, no occurrence of c.1598G>A in individuals affected with Epileptic encephalopathy, early infantile, 69 and no experimental evidence demonstrating its impact on protein function have been reported. No clinical diagnostic laboratories have submitted clinical-significance assessments for this variant to ClinVar after 2014. Based on the evidence outlined above, the variant was classified as uncertain significance.